The following is an entry in ClinVar:

ClinVar aggregate classification (germline): Likely benign. Review status: criteria provided, multiple submitters, no conflicts (2 of 4 stars). 2 submissions from 2 submitters: Likely benign (2). Last evaluated 2026-01-03.

Conditions:
SLC18A2-related disorder. Also called: SLC18A2-related condition.

Submissions (2):

Labcorp Genetics (formerly Invitae), Labcorp
Classification: Likely benign. Last evaluated: 2026-01-03. Review status: criteria provided, single submitter. Criteria: Invitae Variant Classification Sherloc (09022015). Collection method: clinical testing. Allele origin: germline.

PreventionGenetics, part of Exact Sciences
Classification: Likely benign for SLC18A2-related condition. Last evaluated: 2025-01-31. Review status: criteria provided, single submitter. Criteria: ACMG Guidelines, 2015. Collection method: clinical testing. Allele origin: germline.
Comment: This variant is classified as likely benign based on ACMG/AMP sequence variant interpretation guidelines (Richards et al. 2015 PMID: 25741868, with internal and published modifications).

NM_003054.6(SLC18A2):c.791-9A>C

Gene: SLC18A2 (solute carrier family 18 member A2; plus strand). Cytogenetic location: 10q25.3.
Variant type: single nucleotide variant.
Coding change: c.791-9A>C on transcript NM_003054.6 (MANE Select); 9 bases into the intron before coding-DNA position 791, A replaced by C.
Molecular consequence: intron variant.
Genome position (GRCh38, 1-based): chr10:117,255,470, A>C. VCF-style: chr10-117255470-A-C. GRCh37 (hg19) VCF-style: chr10-119014981-A-C.
Other names: c.791-9A>C (NM_003054.4).
Identifiers: ClinVar variation 4711151 (VCV004711151.2).